The following is an entry in ClinVar:

NM_001283009.2(RTEL1):c.102+2T>C

Genes: RTEL1-TNFRSF6B (RTEL1-TNFRSF6B readthrough (NMD candidate); plus strand), RTEL1 (regulator of telomere elongation helicase 1; plus strand). Cytogenetic location: 20q13.33.
Variant type: single nucleotide variant.
Coding change: c.102+2T>C on transcript NM_001283009.2 (MANE Select); the canonical splice donor site of the intron after coding-DNA position 102, T replaced by C.
Molecular consequence: splice donor variant. On other transcripts: intron variant (1).
Genome position (GRCh38, 1-based): chr20:63,659,506, T>C. VCF-style: chr20-63659506-T-C. GRCh37 (hg19) VCF-style: chr20-62290859-T-C.
Other names: c.-568+1047T>C (NM_001283010.1); c.102+2T>C (NM_032957.5, NM_016434.4).
Identifiers: ClinVar variation 496487 (VCV000496487.2), dbSNP rs1555899111, ClinGen allele CA409657623.
Genomic context (GRCh38, chr20:63,659,506, plus strand): 5'-TCCAGCCCTACAAATGCCAACAGGAGTACATGACCAAGGTCCTGGAATGTCTGCAGCAGG[T>C]AGAGCACAGGCCCCGAGGAAAGGACTGCGGGTGGGTGGAGCTTCAGCCAGGACGGGGTGT-3'

ClinVar aggregate classification (germline): Pathogenic/Likely pathogenic. Review status: criteria provided, multiple submitters, no conflicts (2 of 4 stars). 2 submissions from 2 submitters: Pathogenic (1); Likely pathogenic (1). Last evaluated 2025-12-16.

Conditions:
Dyskeratosis congenita. Identifiers: Orphanet 1775, MedGen C0265965, MONDO:0015780.

Submissions (2):

Natera, Inc.
Classification: Likely pathogenic for Dyskeratosis congenita. Last evaluated: 2025-12-16. Review status: criteria provided, single submitter. Criteria: Natera Variant Classification Schema (03/2026). Collection method: clinical testing. Allele origin: germline.
Comment: The c.102+2T>C variant in RTEL1 is a canonical splice donor site variant predicted to affect pre-mRNA splicing, which may result in an abnormal transcript and altered protein product. This variant is expected to result in nonsense mediated decay, truncation, or a dysfunctional protein product. This variant is rare in the general population with a frequency below the threshold expected for the associated phenotype(s). This variant has been observed in one or more individuals affected with the associated recessive disease, as either homozygous or compound heterozygous with a second variant (PMID: 23453664). Given the available evidence, this variant is classified as Likely Pathogenic.

Women's Health and Genetics/Laboratory Corporation of America, LabCorp
Classification: Pathogenic for Dyskeratosis congenita. Last evaluated: 2016-06-16. Review status: criteria provided, single submitter. Criteria: LabCorp Variant Classification Summary - May 2015. Collection method: clinical testing. Allele origin: germline.
Comment: Variant summary: The RTEL1 c.102+2T>C variant involves the alteration of a conserved intronic nucleotide located at the invariant GT donor splice site of intron 2. One in silico tool predicts a damaging outcome along with 4/4 splice site tools predicting the variant to result in the loss of the canonical splice donor site at intron 2. The impact the variant is likely to have on normal splicing has not been tested by in vitro studies. One reputable database classifies it as pathogenic. Considering all evidences, this variant is classified as Pathogenic.

Literature cited by the submitters: PubMed 23453664 (cited by Natera, Inc. and Women's Health and Genetics/Laboratory Corporation of America, LabCorp); PubMed 24582487 (cited by Women's Health and Genetics/Laboratory Corporation of America, LabCorp).